The following is an entry in ClinVar:

NM_020921.4(NIN):c.5960C>T (p.Pro1987Leu)

Gene: NIN (ninein; minus strand). Cytogenetic location: 14q22.1.
Variant type: single nucleotide variant.
Coding change: c.5960C>T on transcript NM_020921.4 (MANE Select); coding-DNA position 5960, C replaced by T.
Protein change: p.Pro1987Leu; replaces proline 1987 with leucine.
Molecular consequence: missense variant.
Genome position (GRCh38, 1-based): chr14:50,729,641, G>A on the plus strand (C>T on the coding strand, the complement: NIN is on the minus strand). VCF-style: chr14-50729641-G-A. GRCh37 (hg19) VCF-style: chr14-51196359-G-A.
Other names: c.3821C>T, p.Pro1274Leu (NM_016350.5); c.5960C>T, p.Pro1987Leu (NM_182944.3, NM_182946.2); short protein forms P1274L, P1987L.
Identifiers: ClinVar variation 2361104 (VCV002361104.4), dbSNP rs147630726, ClinGen allele CA7181073.
Genomic context (GRCh38, chr14:50,729,641, plus strand): 5'-ATCCTTTCTGCCTGCAGCAGCTGGCGTTGAAGCTGCAGAAACTGCTCCCTGGGCACCATC[G>A]GACAGGCTTGCTGCTGGAGCAGCTGCAAATCCCAAGCATGAGGGGACGGGCTAGGCGTCG-3'
Protein context (NP_065972.4, residues 1977-1997): DLQLLQQQAC[Pro1987Leu]MVPREQFLQL

ClinVar aggregate classification (germline): Uncertain significance. Review status: criteria provided, multiple submitters, no conflicts (2 of 4 stars). 2 submissions from 2 submitters: Uncertain significance (2). Last evaluated 2025-06-29.

Allele frequency attached by ClinVar (database versions not stated): TOPMed 0.00025; ExAC 0.00008; ESP Exome Variant Server 0.00023; gnomAD 0.00025.
gnomAD v4.1: 83 of 1,613,828 alleles (0.0051%); highest among the groups gnomAD compares: African/African-American, 0.075%; 1 homozygote.

Submissions (2):

Labcorp Genetics (formerly Invitae), Labcorp
Classification: Uncertain significance. Last evaluated: 2025-06-29. Review status: criteria provided, single submitter. Criteria: Invitae Variant Classification Sherloc (09022015). Collection method: clinical testing. Allele origin: germline.
Comment: This sequence change replaces proline, which is neutral and non-polar, with leucine, which is neutral and non-polar, at codon 1987 of the NIN protein (p.Pro1987Leu). This variant is present in population databases (rs147630726, gnomAD 0.07%), and has an allele count higher than expected for a pathogenic variant. This variant has not been reported in the literature in individuals affected with NIN-related conditions. ClinVar contains an entry for this variant (Variation ID: 2361104). An algorithm developed to predict the effect of missense changes on protein structure and function outputs the following: PolyPhen-2: "Benign". The leucine amino acid residue is found in multiple mammalian species, which suggests that this missense change does not adversely affect protein function. In summary, the available evidence is currently insufficient to determine the role of this variant in disease. Therefore, it has been classified as a Variant of Uncertain Significance.

Ambry Genetics
Classification: Uncertain significance. Last evaluated: 2021-06-23. Review status: criteria provided, single submitter. Criteria: Ambry Variant Classification Scheme 2023. Collection method: clinical testing. Allele origin: germline.